The following is an entry in ClinVar:

NM_000301.5(PLG):c.2414G>A (p.Gly805Glu)

Gene: PLG (plasminogen; plus strand). Cytogenetic location: 6q26.
Variant type: single nucleotide variant.
Coding change: c.2414G>A on transcript NM_000301.5 (MANE Select); coding-DNA position 2414, G replaced by A.
Protein change: p.Gly805Glu; replaces glycine 805 with glutamic acid.
Molecular consequence: missense variant.
Genome position (GRCh38, 1-based): chr6:160,753,042, G>A. VCF-style: chr6-160753042-G-A. GRCh37 (hg19) VCF-style: chr6-161174074-G-A.
Other names: short protein forms G805E.
Identifiers: ClinVar variation 2961360 (VCV002961360.4), dbSNP rs767955927, ClinGen allele CA4088064.
Genomic context (GRCh38, chr6:160,753,042, plus strand): 5'-CACGCCCCAATAAGCCTGGTGTCTATGTTCGTGTTTCAAGGTTTGTTACTTGGATTGAGG[G>A]AGTGATGAGAAATAATTAATTGGACGGGAGACAGAGTGACGCACTGACTCACCTAGAGGC-3'
Protein context (NP_000292.1, residues 795-810): RVSRFVTWIE[Gly805Glu]VMRNN

ClinVar aggregate classification (germline): Uncertain significance. Review status: criteria provided, multiple submitters, no conflicts (2 of 4 stars). 2 submissions from 2 submitters: Uncertain significance (2). Last evaluated 2026-05-18.

Allele frequency attached by ClinVar (database versions not stated): gnomAD 0.00004; gnomAD exomes 0.00007; ExAC 0.00016.
gnomAD v4.1: 101 of 1,589,014 alleles (0.0064%); highest among the groups gnomAD compares: East Asian, 0.21%; no homozygotes.

Submissions (2):

Women's Health and Genetics/Laboratory Corporation of America, LabCorp
Classification: Uncertain significance. Last evaluated: 2026-05-18. Review status: criteria provided, single submitter. Criteria: LabCorp Variant Classification Summary - May 2015. Collection method: clinical testing. Allele origin: germline.
Comment: Variant summary: PLG c.2414G>A (p.Gly805Glu) results in a non-conservative amino acid change in the encoded protein sequence. Algorithms developed to predict the effect of missense changes on protein structure and function are either unavailable or do not agree on the potential impact of this missense change. The variant allele was found at a frequency of 0.00015 in 241206 control chromosomes. This frequency is not significantly higher than estimated for disease-causing variants in PLG, allowing no conclusion about variant significance. To our knowledge, no occurrence of c.2414G>A in individuals affected with PLG-related conditions and no experimental evidence demonstrating its impact on protein function have been reported. ClinVar contains an entry for this variant (Variation ID: 2961360). Based on the evidence outlined above, the variant was classified as uncertain significance.

Labcorp Genetics (formerly Invitae), Labcorp
Classification: Uncertain significance. Last evaluated: 2025-10-20. Review status: criteria provided, single submitter. Criteria: Invitae Variant Classification Sherloc (09022015). Collection method: clinical testing. Allele origin: germline.
Comment: This sequence change replaces glycine, which is neutral and non-polar, with glutamic acid, which is acidic and polar, at codon 805 of the PLG protein (p.Gly805Glu). This variant is present in population databases (rs767955927, gnomAD 0.2%). This variant has not been reported in the literature in individuals affected with PLG-related conditions. ClinVar contains an entry for this variant (Variation ID: 2961360). Invitae Evidence Modeling of protein sequence and biophysical properties (such as structural, functional, and spatial information, amino acid conservation, physicochemical variation, residue mobility, and thermodynamic stability) indicates that this missense variant is not expected to disrupt PLG protein function with a negative predictive value of 80%. In summary, the available evidence is currently insufficient to determine the role of this variant in disease. Therefore, it has been classified as a Variant of Uncertain Significance.